The following is an entry in ClinVar:

NM_001377.3(DYNC2H1):c.7967G>T (p.Arg2656Leu)

Gene: DYNC2H1 (dynein cytoplasmic 2 heavy chain 1; plus strand). Cytogenetic location: 11q22.3.
Variant type: single nucleotide variant.
Coding change: c.7967G>T on transcript NM_001377.3 (MANE Select); coding-DNA position 7967, G replaced by T.
Protein change: p.Arg2656Leu; replaces arginine 2656 with leucine.
Molecular consequence: missense variant.
Genome position (GRCh38, 1-based): chr11:103,199,355, G>T. VCF-style: chr11-103199355-G-T. GRCh37 (hg19) VCF-style: chr11-103070084-G-T.
Other names: c.7967G>T, p.Arg2656Leu (NM_001080463.2); short protein forms R2656L.
Identifiers: ClinVar variation 446577 (VCV000446577.5), dbSNP rs200614421, ClinGen allele CA6254364.
Genomic context (GRCh38, chr11:103,199,355, plus strand): 5'-ATATGTCTAGGATAGATAGAGTGCTGAGTTTCCCTGGAGGTTCACTTCTATTAGCAGGAC[G>T]CAGTGGTGTAGGTCGTCGGACCATCACTTCTTTAGTCAGTCACATGCATGGAGCGGTCCT-3'
Protein context (NP_001368.2, residues 2646-2666): FPGGSLLLAG[Arg2656Leu]SGVGRRTITS

ClinVar aggregate classification (germline): Likely pathogenic. Review status: criteria provided, single submitter (1 of 4 stars). 3 submissions from 3 submitters: Likely pathogenic (1). 2 of the submissions do not count toward it. Last evaluated 2024-12-11.

Conditions:
Asphyxiating thoracic dystrophy 3. Also called: SHORT-RIB THORACIC DYSPLASIA 3 WITH OR WITHOUT POLYDACTYLY; POLYDACTYLY WITH NEONATAL CHONDRODYSTROPHY, TYPE I; SHORT-RIB THORACIC DYSPLASIA 3/6 WITH POLYDACTYLY, DIGENIC; Short rib polydactyly syndrome 2B; Saldino-Noonan Syndrome. Identifiers: Orphanet 474, Orphanet 93269, Orphanet 93270, Orphanet 93271, MedGen C0036069, MONDO:0013127, OMIM 613091.

Allele frequency attached by ClinVar (database versions not stated): TOPMed 0.00001.
gnomAD v4.1: 25 of 1,612,372 alleles (0.0016%); highest among the groups gnomAD compares: Non-Finnish European, 0.0021%; no homozygotes.

Submissions (3):

GeneDx
Classification: Likely pathogenic. Last evaluated: 2024-12-11. Review status: criteria provided, single submitter. Criteria: GeneDx Variant Classification Process June 2021. Collection method: clinical testing. Allele origin: germline. Affected: yes.
Comment: In silico analysis supports that this missense variant has a deleterious effect on protein structure/function; Not observed at significant frequency in large population cohorts (gnomAD); This variant is associated with the following publications: (PMID: 38167091, 29068549)

Dan Cohn Lab, University Of California Los Angeles
Classification: Pathogenic for Asphyxiating thoracic dystrophy 3. Last evaluated: 2017-06-01. Review status: no assertion criteria provided. Collection method: research. Allele origin: paternal. Affected: yes. Not counted in ClinVar's aggregate classification.

University of Washington Center for Mendelian Genomics, University of Washington
Classification: Likely pathogenic for Asphyxiating thoracic dystrophy 3. Review status: no assertion criteria provided. Collection method: research. Allele origin: inherited. Affected: yes. Not counted in ClinVar's aggregate classification.

Literature cited by the submitters: PubMed 29068549 (cited by Dan Cohn Lab, University Of California Los Angeles and University of Washington Center for Mendelian Genomics, University of Washington).